The following is an entry in ClinVar:

NM_002439.5(MSH3):c.2281G>C (p.Val761Leu)

Gene: MSH3 (mutS homolog 3; plus strand). Cytogenetic location: 5q14.1.
Variant type: single nucleotide variant.
Coding change: c.2281G>C on transcript NM_002439.5 (MANE Select); coding-DNA position 2281, G replaced by C.
Protein change: p.Val761Leu; replaces valine 761 with leucine.
Molecular consequence: missense variant.
Genome position (GRCh38, 1-based): chr5:80,775,721, G>C. VCF-style: chr5-80775721-G-C. GRCh37 (hg19) VCF-style: chr5-80071540-G-C.
Other names: short protein forms V761L.
Identifiers: ClinVar variation 2013603 (VCV002013603.4), dbSNP rs376555325, ClinGen allele CA360280796.

ClinVar aggregate classification (germline): Uncertain significance (1 of 4 stars; one submission).

gnomAD v4.1: 1 of 1,586,854 alleles (0.000063%); highest among the groups gnomAD compares: Non-Finnish European, 0.000087%; no homozygotes.

Submission:

Labcorp Genetics (formerly Invitae), Labcorp
Classification: Uncertain significance. Last evaluated: 2024-10-29. Review status: criteria provided, single submitter. Criteria: Invitae Variant Classification Sherloc (09022015). Collection method: clinical testing. Allele origin: germline.
Comment: This sequence change replaces valine, which is neutral and non-polar, with leucine, which is neutral and non-polar, at codon 761 of the MSH3 protein (p.Val761Leu). This variant is not present in population databases (gnomAD no frequency). This variant has not been reported in the literature in individuals affected with MSH3-related conditions. ClinVar contains an entry for this variant (Variation ID: 2013603). An algorithm developed to predict the effect of missense changes on protein structure and function outputs the following: PolyPhen-2: "Benign". The leucine amino acid residue is found in multiple mammalian species, which suggests that this missense change does not adversely affect protein function. In summary, the available evidence is currently insufficient to determine the role of this variant in disease. Therefore, it has been classified as a Variant of Uncertain Significance.